The following is an entry in ClinVar:

NM_000388.4(CASR):c.2818C>A (p.Gln940Lys)

Gene: CASR (calcium sensing receptor; plus strand). Cytogenetic location: 3q21.1.
Variant type: single nucleotide variant.
Coding change: c.2818C>A on transcript NM_000388.4 (MANE Select); coding-DNA position 2818, C replaced by A.
Protein change: p.Gln940Lys; replaces glutamine 940 with lysine.
Molecular consequence: missense variant.
Genome position (GRCh38, 1-based): chr3:122,284,772, C>A. VCF-style: chr3-122284772-C-A. GRCh37 (hg19) VCF-style: chr3-122003619-C-A.
Other names: c.2848C>A, p.Gln950Lys (NM_001178065.2); short protein forms Q950K, Q940K.
Identifiers: ClinVar variation 821846 (VCV000821846.4), dbSNP rs1576878568, ClinGen allele CA354160832.

ClinVar aggregate classification (germline): Uncertain significance (1 of 4 stars; one submission).

Conditions:
Nephrolithiasis/nephrocalcinosis. Identifiers: MedGen CN580796.

Submission:

Ambry Genetics
Classification: Uncertain significance for Nephrolithiasis/nephrocalcinosis. Last evaluated: 2019-07-23. Review status: criteria provided, single submitter. Criteria: Ambry Variant Classification Scheme 2023. Collection method: clinical testing. Allele origin: germline.
Comment: The p.Q940K variant (also known as c.2818C>A), located in coding exon 6 of the CASR gene, results from a C to A substitution at nucleotide position 2818. The glutamine at codon 940 is replaced by lysine, an amino acid with similar properties. This amino acid position is well conserved in available vertebrate species. In addition, this alteration is predicted to be tolerated by in silico analysis. Since supporting evidence is limited at this time, the clinical significance of this alteration remains unclear.